The following is an entry in ClinVar:

NM_006231.4(POLE):c.1953T>G (p.Cys651Trp)

Gene: POLE (DNA polymerase epsilon, catalytic subunit; minus strand). Cytogenetic location: 12q24.33.
Variant type: single nucleotide variant.
Coding change: c.1953T>G on transcript NM_006231.4 (MANE Select); coding-DNA position 1953, T replaced by G.
Protein change: p.Cys651Trp; replaces cysteine 651 with tryptophan.
Molecular consequence: missense variant.
Genome position (GRCh38, 1-based): chr12:132,668,708, A>C on the plus strand (T>G on the coding strand, the complement: POLE is on the minus strand). VCF-style: chr12-132668708-A-C. GRCh37 (hg19) VCF-style: chr12-133245294-A-C.
Other names: c.1953T>G (NM_006231.2); short protein forms C651W.
Identifiers: ClinVar variation 856801 (VCV000856801.10), dbSNP rs2042854455, ClinGen allele CA387355141.
Genomic context (GRCh38, chr12:132,668,708, plus strand): 5'-CCACTGCCAGGCCATCTTCCGCTGGCAGTTTGCTCCAGGCTTATTGAAGTCACAGGCAGC[A>C]CAGGTGGCTTCGTCCACCATGGCAGAGGGCTGGGAGGGGTGAGAAAGCACTTAGGGCTGG-3'
Protein context (NP_006222.2, residues 641-661): QPSAMVDEAT[Cys651Trp]AACDFNKPGA

ClinVar aggregate classification (germline): Uncertain significance. Review status: criteria provided, multiple submitters, no conflicts (2 of 4 stars). 2 submissions from 2 submitters: Uncertain significance (2). Last evaluated 2025-11-01.

Conditions:
Hereditary cancer-predisposing syndrome. Also called: Tumor predisposition; Hereditary neoplastic syndrome; Neoplastic Syndromes, Hereditary; Hereditary Cancer Syndrome. Identifiers: Orphanet 140162, MedGen C0027672, MeSH D009386, MONDO:0015356.

Allele frequency attached by ClinVar (database versions not stated): gnomAD exomes below 0.00001.
gnomAD v4.1: 1 of 1,614,110 alleles (0.000062%); highest among the groups gnomAD compares: Non-Finnish European, 0.000085%; no homozygotes.

Submissions (2):

Labcorp Genetics (formerly Invitae), Labcorp
Classification: Uncertain significance. Last evaluated: 2025-11-01. Review status: criteria provided, single submitter. Criteria: Invitae Variant Classification Sherloc (09022015). Collection method: clinical testing. Allele origin: germline.
Comment: This sequence change replaces cysteine, which is neutral and slightly polar, with tryptophan, which is neutral and slightly polar, at codon 651 of the POLE protein (p.Cys651Trp). This variant is not present in population databases (gnomAD no frequency). This variant has not been reported in the literature in individuals affected with POLE-related conditions. ClinVar contains an entry for this variant (Variation ID: 856801). Invitae Evidence Modeling of protein sequence and biophysical properties (such as structural, functional, and spatial information, amino acid conservation, physicochemical variation, residue mobility, and thermodynamic stability) indicates that this missense variant is expected to disrupt POLE protein function with a positive predictive value of 80%. In summary, the available evidence is currently insufficient to determine the role of this variant in disease. Therefore, it has been classified as a Variant of Uncertain Significance.

Ambry Genetics
Classification: Uncertain significance for Hereditary cancer-predisposing syndrome. Last evaluated: 2025-06-18. Review status: criteria provided, single submitter. Criteria: Ambry Variant Classification Scheme 2023. Collection method: clinical testing. Allele origin: germline.
Comment: The p.C651W variant (also known as c.1953T>G), located in coding exon 18 of the POLE gene, results from a T to G substitution at nucleotide position 1953. The cysteine at codon 651 is replaced by tryptophan, an amino acid with highly dissimilar properties. This amino acid position is highly conserved in available vertebrate species. In addition, the in silico prediction for this alteration is inconclusive. Based on the available evidence, the clinical significance of this variant remains unclear.